The following is an entry in ClinVar:

NM_207361.6(FREM2):c.996G>C (p.Gln332His)

Gene: FREM2 (FRAS1 related extracellular matrix 2; plus strand). Cytogenetic location: 13q13.3.
Variant type: single nucleotide variant.
Coding change: c.996G>C on transcript NM_207361.6 (MANE Select); coding-DNA position 996, G replaced by C.
Protein change: p.Gln332His; replaces glutamine 332 with histidine.
Molecular consequence: missense variant.
Genome position (GRCh38, 1-based): chr13:38,688,340, G>C. VCF-style: chr13-38688340-G-C. GRCh37 (hg19) VCF-style: chr13-39262477-G-C.
Other names: c.996G>C (NM_207361.5); short protein forms Q332H.
Identifiers: ClinVar variation 2427967 (VCV002427967.6), dbSNP rs200316547, ClinGen allele CA6954318.

ClinVar aggregate classification (germline): Conflicting classifications of pathogenicity. Review status: criteria provided, conflicting classifications (1 of 4 stars). 4 submissions from 4 submitters: Uncertain significance (2); Likely benign (2). Last evaluated 2025-07-08.

Conditions:
FREM2-related disorder. Also called: FREM2-related condition.
Isolated cryptophthalmia. Also called: Cryptophthalmos, unilateral or bilateral, isolated; ANKYLOBLEPHARON, SIMPLE. Identifiers: Orphanet 91396, MedGen C1852453, MONDO:0007410, OMIM 123570.
Fraser syndrome 2 (FRASRS2). Identifiers: MedGen C4540036, MONDO:0054738, OMIM 617666.

Allele frequency attached by ClinVar (database versions not stated): TOPMed 0.00008; 1000 Genomes Project 30x 0.00016; ExAC 0.00016; 1000 Genomes Project 0.00020.
gnomAD v4.1: 74 of 1,614,252 alleles (0.0046%); highest among the groups gnomAD compares: Admixed American, 0.12%; 1 homozygote.

Submissions (4):

PreventionGenetics, part of Exact Sciences
Classification: Likely benign for FREM2-related condition. Last evaluated: 2025-07-08. Review status: criteria provided, single submitter. Criteria: ACMG Guidelines, 2015. Collection method: clinical testing. Allele origin: germline.
Comment: This variant is classified as likely benign based on ACMG/AMP sequence variant interpretation guidelines (Richards et al. 2015 PMID: 25741868, with internal and published modifications).

Fulgent Genetics
Classification: Uncertain significance for Isolated cryptophthalmia; Fraser syndrome 2. Last evaluated: 2024-05-15. Review status: criteria provided, single submitter. Criteria: ACMG Guidelines, 2015. Collection method: clinical testing. Allele origin: germline.

Labcorp Genetics (formerly Invitae), Labcorp
Classification: Uncertain significance. Last evaluated: 2022-08-21. Review status: criteria provided, single submitter. Criteria: Invitae Variant Classification Sherloc (09022015). Collection method: clinical testing. Allele origin: germline.
Comment: This sequence change replaces glutamine, which is neutral and polar, with histidine, which is basic and polar, at codon 332 of the FREM2 protein (p.Gln332His). This variant is present in population databases (rs200316547, gnomAD 0.2%), including at least one homozygous and/or hemizygous individual. This variant has not been reported in the literature in individuals affected with FREM2-related conditions. Algorithms developed to predict the effect of missense changes on protein structure and function are either unavailable or do not agree on the potential impact of this missense change (SIFT: "Deleterious"; PolyPhen-2: "Probably Damaging"; Align-GVGD: "Class C0"). In summary, the available evidence is currently insufficient to determine the role of this variant in disease. Therefore, it has been classified as a Variant of Uncertain Significance.

Blueprint Genetics
Classification: Likely benign. Last evaluated: 2021-04-23. Review status: criteria provided, single submitter. Criteria: ACMG Guidelines, 2015. Collection method: clinical testing. Allele origin: germline.